The following is an entry in ClinVar:

NM_000127.3(EXT1):c.1807A>T (p.Lys603Ter)

Gene: EXT1 (exostosin glycosyltransferase 1; minus strand). Cytogenetic location: 8q24.11.
Variant type: single nucleotide variant.
Coding change: c.1807A>T on transcript NM_000127.3 (MANE Select); coding-DNA position 1807, A replaced by T.
Protein change: p.Lys603Ter; replaces lysine 603 with a stop codon.
Molecular consequence: nonsense.
Genome position (GRCh38, 1-based): chr8:117,807,293, T>A on the plus strand (A>T on the coding strand, the complement: EXT1 is on the minus strand). VCF-style: chr8-117807293-T-A. GRCh37 (hg19) VCF-style: chr8-118819532-T-A.
Other names: short protein forms K603*.
Identifiers: ClinVar variation 2735196 (VCV002735196.3), dbSNP rs2488089247, ClinGen allele CA371878244.

ClinVar aggregate classification (germline): Pathogenic (1 of 4 stars; one submission).

Conditions:
Multiple congenital exostosis (EXT). Also called: Hereditary multiple exostoses; Hereditary multiple exostosis; MULTIPLE CARTILAGINOUS EXOSTOSES; Multiple exostoses; Multiple osteochondromas; Hereditary multiple osteochondromas. Identifiers: Orphanet 321, MedGen C0015306, MONDO:0005508, HP:0002762.

Submission:

Labcorp Genetics (formerly Invitae), Labcorp
Classification: Pathogenic for Multiple congenital exostosis. Last evaluated: 2023-03-10. Review status: criteria provided, single submitter. Criteria: Invitae Variant Classification Sherloc (09022015). Collection method: clinical testing. Allele origin: germline.
Comment: This premature translational stop signal has been observed in individual(s) with hereditary multiple osteochondromatosis (PMID: 10713884). This variant is not present in population databases (gnomAD no frequency). This sequence change creates a premature translational stop signal (p.Lys603*) in the EXT1 gene. It is expected to result in an absent or disrupted protein product. Loss-of-function variants in EXT1 are known to be pathogenic (PMID: 10679937, 11391482, 19810120). For these reasons, this variant has been classified as Pathogenic.

Literature cited by the submitters: PubMed 10713884; PubMed 10679937; PubMed 11391482; PubMed 19810120.